The following is an entry in ClinVar:

ClinVar aggregate classification (germline): Uncertain significance (1 of 4 stars; one submission).

Submission:

GeneDx
Classification: Uncertain significance. Last evaluated: 2025-03-10. Review status: criteria provided, single submitter. Criteria: GeneDx Variant Classification Process June 2021. Collection method: clinical testing. Allele origin: germline. Affected: yes.
Comment: Not observed at significant frequency in large population cohorts (gnomAD); In silico analysis supports that this missense variant has a deleterious effect on protein structure/function; Has not been previously published as pathogenic or benign to our knowledge

NM_006386.5(DDX17):c.542A>G (p.Tyr181Cys)

Gene: DDX17 (DEAD-box helicase 17; minus strand). Cytogenetic location: 22q13.1.
Variant type: single nucleotide variant.
Coding change: c.542A>G on transcript NM_006386.5 (MANE Select); coding-DNA position 542, A replaced by G.
Protein change: p.Tyr181Cys; replaces tyrosine 181 with cysteine.
Molecular consequence: missense variant.
Genome position (GRCh38, 1-based): chr22:38,498,570, T>C on the plus strand (A>G on the coding strand, the complement: DDX17 is on the minus strand). VCF-style: chr22-38498570-T-C. GRCh37 (hg19) VCF-style: chr22-38894575-T-C.
Other names: c.542A>G, p.Tyr181Cys (NM_001098504.2); short protein forms Y181C.
Identifiers: ClinVar variation 4083253 (VCV004083253.1).
Genomic context (GRCh38, chr22:38,498,570, plus strand): 5'-CCCTGGCACTGAATTGGAGTTGGTTCTGTAAAGTGCTGATCCATCAACACATCCATTACA[T>C]ATTCTGTAAGAGAATTTTATTTTGCGTATTTTATTGTGTTTAAAGACACAAACCAAGAGT-3'
Protein context (NP_006377.2, residues 171-191): FAFHHANFPQ[Tyr181Cys]VMDVLMDQHF